The following is an entry in ClinVar:

NM_007294.4(BRCA1):c.3563G>A (p.Arg1188Lys)

Genes: BRCA1 (BRCA1 DNA repair associated; minus strand), LOC126862571 (BRD4-independent group 4 enhancer GRCh37_chr17:41243136-41244335; plus strand). Cytogenetic location: 17q21.31.
Variant type: single nucleotide variant.
Coding change: c.3563G>A on transcript NM_007294.4 (MANE Select); coding-DNA position 3563, G replaced by A.
Protein change: p.Arg1188Lys; replaces arginine 1188 with lysine.
Molecular consequence: missense variant. On other transcripts: intron variant (135).
Genome position (GRCh38, 1-based): chr17:43,091,968, C>T on the plus strand (G>A on the coding strand, the complement: BRCA1 is on the minus strand). VCF-style: chr17-43091968-C-T. GRCh37 (hg19) VCF-style: chr17-41243985-C-T.
Other names: c.3419G>A, p.Arg1140Lys (NM_001407741.1, NM_001407742.1, NM_001407743.1 and 20 more transcripts); c.3422G>A, p.Arg1141Lys (NM_001407750.1, NM_001407751.1, NM_001407752.1 and 29 more transcripts); c.3560G>A, p.Arg1187Lys (NM_001407629.1, NM_001407630.1, NM_001407631.1 and 22 more transcripts); c.3563G>A, p.Arg1188Lys (NM_001407639.1, NM_001407640.1, NM_001407641.1 and 30 more transcripts); c.3554G>A, p.Arg1185Lys (NM_001407646.1, NM_001407647.1); c.3440G>A, p.Arg1147Lys (NM_001407648.1, NM_001407664.1, NM_001407665.1 and 19 more transcripts); c.3437G>A, p.Arg1146Lys (NM_001407649.1, NM_001407670.1, NM_001407671.1 and 11 more transcripts); c.3485G>A, p.Arg1162Lys (NM_001407653.1, NM_001407654.1, NM_001407655.1 and 4 more transcripts); and 41 more; short protein forms R1060K, R1187K, R320K, R892K, R1020K, R1076K, R1117K, R1140K.
Identifiers: ClinVar variation 3825282 (VCV003825282.1).

ClinVar aggregate classification (germline): Uncertain significance (1 of 4 stars; one submission).

Conditions:
Hereditary cancer-predisposing syndrome. Also called: Hereditary neoplastic syndrome; Neoplastic Syndromes, Hereditary; Tumor predisposition; Hereditary Cancer Syndrome. Identifiers: Orphanet 140162, MedGen C0027672, MeSH D009386, MONDO:0015356.

Submission:

Ambry Genetics
Classification: Uncertain significance for Hereditary cancer-predisposing syndrome. Last evaluated: 2024-12-19. Review status: criteria provided, single submitter. Criteria: Ambry Variant Classification Scheme 2023. Collection method: clinical testing. Allele origin: germline.
Comment: The p.R1188K variant (also known as c.3563G>A), located in coding exon 9 of the BRCA1 gene, results from a G to A substitution at nucleotide position 3563. The arginine at codon 1188 is replaced by lysine, an amino acid with highly similar properties. This amino acid position is well conserved in available vertebrate species. In addition, the in silico prediction for this alteration is inconclusive. Based on the available evidence, the clinical significance of this variant remains unclear.